The following is an entry in ClinVar:

NM_000051.4(ATM):c.3959A>T (p.Asp1320Val)

Gene: ATM (ATM serine/threonine kinase; plus strand). Cytogenetic location: 11q22.3.
Variant type: single nucleotide variant.
Coding change: c.3959A>T on transcript NM_000051.4 (MANE Select); coding-DNA position 3959, A replaced by T.
Protein change: p.Asp1320Val; replaces aspartic acid 1320 with valine.
Molecular consequence: missense variant.
Genome position (GRCh38, 1-based): chr11:108,284,439, A>T. VCF-style: chr11-108284439-A-T. GRCh37 (hg19) VCF-style: chr11-108155166-A-T.
Other names: c.3959A>T, p.Asp1320Val (NM_001351834.2); short protein forms D1320V.
Identifiers: ClinVar variation 1497351 (VCV001497351.8), dbSNP rs2135709499, ClinGen allele CA382526062.

ClinVar aggregate classification (germline): Uncertain significance (1 of 4 stars; one submission).

Conditions:
Ataxia-telangiectasia syndrome (AT). Also called: Cerebello-oculocutaneous telangiectasia; Immunodeficiency with ataxia telangiectasia; AT, COMPLEMENTATION GROUP C; ATAXIA-TELANGIECTASIA, COMPLEMENTATION GROUP A; ATAXIA-TELANGIECTASIA, FRESNO VARIANT; LOUIS-BAR SYNDROME. Identifiers: Orphanet 100, MedGen C0004135, MONDO:0008840, OMIM 208900.

Submission:

Labcorp Genetics (formerly Invitae), Labcorp
Classification: Uncertain significance for Ataxia-telangiectasia syndrome. Last evaluated: 2021-10-10. Review status: criteria provided, single submitter. Criteria: Invitae Variant Classification Sherloc (09022015). Collection method: clinical testing. Allele origin: germline.
Comment: This variant is not present in population databases (ExAC no frequency). This sequence change replaces aspartic acid with valine at codon 1320 of the ATM protein (p.Asp1320Val). The aspartic acid residue is moderately conserved and there is a large physicochemical difference between aspartic acid and valine. This variant has not been reported in the literature in individuals with ATM-related conditions. In summary, the available evidence is currently insufficient to determine the role of this variant in disease. Therefore, it has been classified as a Variant of Uncertain Significance. Algorithms developed to predict the effect of missense changes on protein structure and function are either unavailable or do not agree on the potential impact of this missense change (SIFT: "Deleterious"; PolyPhen-2: "Benign"; Align-GVGD: "Class C25").